The following is an entry in ClinVar:

ClinVar aggregate classification (germline): Likely benign (1 of 4 stars; one submission).

Conditions:
GLIS3-related disorder. Also called: GLIS3-related condition.

gnomAD v4.1: 8 of 1,614,086 alleles (0.0005%); highest among the groups gnomAD compares: East Asian, 0.016%; no homozygotes.

Submission:

PreventionGenetics, part of Exact Sciences
Classification: Likely benign for GLIS3-related condition. Last evaluated: 2026-03-11. Review status: criteria provided, single submitter. Criteria: ACMG Guidelines, 2015. Collection method: clinical testing. Allele origin: germline.
Comment: This variant is classified as likely benign based on ACMG/AMP sequence variant interpretation guidelines (Richards et al. 2015 PMID: 25741868, with internal and published modifications).

NM_001042413.2(GLIS3):c.2044C>T (p.Leu682=)

Genes: GLIS3 (GLIS family zinc finger 3; minus strand), GLIS3-AS1 (GLIS3 antisense RNA 1; plus strand). Cytogenetic location: 9p24.2.
Variant type: single nucleotide variant.
Coding change: c.2044C>T on transcript NM_001042413.2 (MANE Select); coding-DNA position 2044, C replaced by T.
Protein change: p.Leu682=; no amino-acid change (leucine 682 retained).
Molecular consequence: synonymous variant. On other transcripts: non-coding transcript variant (1).
Genome position (GRCh38, 1-based): chr9:3,898,775, G>A on the plus strand (C>T on the coding strand, the complement: GLIS3 is on the minus strand). VCF-style: chr9-3898775-G-A. GRCh37 (hg19) VCF-style: chr9-3898775-G-A.
Other names: c.2044C>T, p.Leu682= (NM_001438906.1, NM_001438907.1, NM_001438908.1); c.1579C>T, p.Leu527= (NM_001438909.1, NM_152629.4); c.1378C>T, p.Leu460= (NM_001438911.1, NM_001438912.1).
Identifiers: ClinVar variation 4979943 (VCV004979943.1).